The following is an entry in ClinVar:

NM_172107.4(KCNQ2):c.1632-5T>A

Gene: KCNQ2 (potassium voltage-gated channel subfamily Q member 2; minus strand). Cytogenetic location: 20q13.33.
Variant type: single nucleotide variant.
Coding change: c.1632-5T>A on transcript NM_172107.4 (MANE Select); 5 bases into the intron before coding-DNA position 1632, T replaced by A.
Molecular consequence: intron variant.
Genome position (GRCh38, 1-based): chr20:63,413,586, A>T on the plus strand (T>A on the coding strand, the complement: KCNQ2 is on the minus strand). VCF-style: chr20-63413586-A-T. GRCh37 (hg19) VCF-style: chr20-62044939-A-T.
Other names: c.1632-5T>A (NM_172107.2); c.1548-5T>A (NM_004518.6); c.1539-5T>A (NM_172108.5); c.1578-5T>A (NM_172106.3, NM_001382235.1).
Identifiers: ClinVar variation 2230984 (VCV002230984.7), dbSNP rs1416947746, ClinGen allele CA2374778007.

ClinVar aggregate classification (germline): Uncertain significance. Review status: criteria provided, multiple submitters, no conflicts (2 of 4 stars). 3 submissions from 3 submitters: Uncertain significance (3). Last evaluated 2023-05-20.

Conditions:
Complex neurodevelopmental disorder. Identifiers: Orphanet 528084, MedGen C5568766, MONDO:0100038.
Developmental and epileptic encephalopathy, 7 (DEE7). Also called: KCNQ2-Related Neonatal Epileptic Encephalopathy; Early infantile epileptic encephalopathy 7; KCNQ2-Related Neonatal-Onset Developmental and Epileptic Encephalopathy (NEO-DEE). Identifiers: Orphanet 439218, MedGen C3150986, MONDO:0013387, OMIM 613720.
Inborn genetic diseases. Identifiers: MedGen C0950123, MeSH D030342.

Submissions (3):

Neuberg Centre For Genomic Medicine, NCGM
Classification: Uncertain significance for Developmental and epileptic encephalopathy, 7. Last evaluated: 2023-05-20. Review status: criteria provided, single submitter. Criteria: ACMG Guidelines, 2015. Collection method: clinical testing. Allele origin: germline. Inheritance: Autosomal dominant inheritance. Affected: yes.
Comment: The splice region c.1632-5T>A variant in the KCNQ2 gene has been reported previously in an individual affected with epilepsy (Chuan Z, et. al., 2022). The c.1632-5T>A variant is absent in gnomAD Exomes. SpliceAI predicts this variant to cause splice acceptor gain (0.99) and predicts it to be damaging. However, additional functional studies will be required to prove the pathogenicity of this variant. For these reasons, this variant has been classified as Uncertain Significance.

Department of Pathology and Laboratory Medicine, Sinai Health System
Classification: Uncertain significance for complex neurodevelopmental disorder. Last evaluated: 2022-06-01. Review status: criteria provided, single submitter. Criteria: ACMG Guidelines, 2015. Collection method: research. Allele origin: germline.

Ambry Genetics
Classification: Uncertain significance for Inborn genetic diseases. Last evaluated: 2021-06-15. Review status: criteria provided, single submitter. Criteria: Ambry Variant Classification Scheme 2023. Collection method: clinical testing. Allele origin: germline.
Comment: The c.1632-5T>A intronic alteration consists of a T to A substitution 5 nucleotides before exon 15 of the KCNQ2 gene. Based on insufficient or conflicting evidence, the clinical significance of this alteration remains unclear.